The following is an entry in ClinVar:

NM_018136.5(ASPM):c.3490C>T (p.Arg1164Cys)

Gene: ASPM (assembly factor for spindle microtubules; minus strand). Cytogenetic location: 1q31.3.
Variant type: single nucleotide variant.
Coding change: c.3490C>T on transcript NM_018136.5 (MANE Select); coding-DNA position 3490, C replaced by T.
Protein change: p.Arg1164Cys; replaces arginine 1164 with cysteine.
Molecular consequence: missense variant.
Genome position (GRCh38, 1-based): chr1:197,122,496, G>A on the plus strand (C>T on the coding strand, the complement: ASPM is on the minus strand). VCF-style: chr1-197122496-G-A. GRCh37 (hg19) VCF-style: chr1-197091626-G-A.
Other names: c.3490C>T, p.Arg1164Cys (NM_001206846.2); short protein forms R1164C.
Identifiers: ClinVar variation 1931113 (VCV001931113.2), dbSNP rs757558564, ClinGen allele CA1310158.

ClinVar aggregate classification (germline): Uncertain significance (1 of 4 stars; one submission).

Allele frequency attached by ClinVar (database versions not stated): gnomAD exomes 0.00001; ExAC 0.00002; gnomAD 0.00002; TOPMed 0.00002.
gnomAD v4.1: 19 of 1,613,456 alleles (0.0012%); highest among the groups gnomAD compares: Non-Finnish European, 0.0015%; no homozygotes.

Submission:

Labcorp Genetics (formerly Invitae), Labcorp
Classification: Uncertain significance. Last evaluated: 2022-06-09. Review status: criteria provided, single submitter. Criteria: Invitae Variant Classification Sherloc (09022015). Collection method: clinical testing. Allele origin: germline.
Comment: This sequence change replaces arginine, which is basic and polar, with cysteine, which is neutral and slightly polar, at codon 1164 of the ASPM protein (p.Arg1164Cys). This variant is present in population databases (rs757558564, gnomAD 0.003%). This variant has not been reported in the literature in individuals affected with ASPM-related conditions. Algorithms developed to predict the effect of missense changes on protein structure and function are either unavailable or do not agree on the potential impact of this missense change (SIFT: "Tolerated"; PolyPhen-2: "Possibly Damaging"; Align-GVGD: "Class C0"). In summary, the available evidence is currently insufficient to determine the role of this variant in disease. Therefore, it has been classified as a Variant of Uncertain Significance.